The following is an entry in ClinVar:

NM_001200.4(BMP2):c.854A>G (p.Lys285Arg)

Gene: BMP2 (bone morphogenetic protein 2; plus strand). Cytogenetic location: 20p12.3.
Variant type: single nucleotide variant.
Coding change: c.854A>G on transcript NM_001200.4 (MANE Select); coding-DNA position 854, A replaced by G.
Protein change: p.Lys285Arg; replaces lysine 285 with arginine.
Molecular consequence: missense variant.
Genome position (GRCh38, 1-based): chr20:6,778,752, A>G. VCF-style: chr20-6778752-A-G. GRCh37 (hg19) VCF-style: chr20-6759399-A-G.
Other names: short protein forms K285R.
Identifiers: ClinVar variation 932375 (VCV000932375.40), dbSNP rs1986558356, ClinGen allele CA408259261.

ClinVar aggregate classification (germline): Uncertain significance. Review status: criteria provided, multiple submitters, no conflicts (2 of 4 stars). 2 submissions from 2 submitters: Uncertain significance (2). Last evaluated 2025-12-08.

Allele frequency attached by ClinVar (database versions not stated): gnomAD exomes below 0.00001.
gnomAD v4.1: 1 of 1,614,236 alleles (0.000062%); highest among the groups gnomAD compares: Middle Eastern, 0.016%; no homozygotes.

Submissions (2):

Labcorp Genetics (formerly Invitae), Labcorp
Classification: Uncertain significance. Last evaluated: 2025-12-08. Review status: criteria provided, single submitter. Criteria: Invitae Variant Classification Sherloc (09022015). Collection method: clinical testing. Allele origin: germline.
Comment: This sequence change replaces lysine, which is basic and polar, with arginine, which is basic and polar, at codon 285 of the BMP2 protein (p.Lys285Arg). This variant is not present in population databases (gnomAD no frequency). This variant has not been reported in the literature in individuals affected with BMP2-related conditions. ClinVar contains an entry for this variant (Variation ID: 932375). An algorithm developed to predict the effect of missense changes on protein structure and function (PolyPhen-2) suggests that this variant is likely to be tolerated. In summary, the available evidence is currently insufficient to determine the role of this variant in disease. Therefore, it has been classified as a Variant of Uncertain Significance.

CeGaT Center for Human Genetics Tuebingen
Classification: Uncertain significance. Last evaluated: 2020-05-01. Review status: criteria provided, single submitter. Criteria: CeGaT Center For Human Genetics Tuebingen Variant Classification Criteria Version 2. Collection method: clinical testing. Allele origin: germline. Affected: yes. Observed: 1 variant allele.